The following is an entry in ClinVar:

ClinVar aggregate classification (germline): Uncertain significance (1 of 4 stars; one submission).

Conditions:
Hypertrophic cardiomyopathy. Also called: HYPERTROPHIC MYOCARDIOPATHY. Identifiers: Orphanet 217569, MedGen C0007194, MeSH D002312, MONDO:0005045, HP:0001639.

Allele frequency attached by ClinVar (database versions not stated): gnomAD exomes below 0.00001.
gnomAD v4.1: 1 of 1,612,944 alleles (0.000062%); highest among the groups gnomAD compares: South Asian, 0.0011%; no homozygotes.

Submission:

Labcorp Genetics (formerly Invitae), Labcorp
Classification: Uncertain significance for Hypertrophic cardiomyopathy. Last evaluated: 2023-06-26. Review status: criteria provided, single submitter. Criteria: Invitae Variant Classification Sherloc (09022015). Collection method: clinical testing. Allele origin: germline.
Comment: In summary, the available evidence is currently insufficient to determine the role of this variant in disease. Therefore, it has been classified as a Variant of Uncertain Significance. Advanced modeling of protein sequence and biophysical properties (such as structural, functional, and spatial information, amino acid conservation, physicochemical variation, residue mobility, and thermodynamic stability) performed at Invitae indicates that this missense variant is not expected to disrupt MYH7 protein function. ClinVar contains an entry for this variant (Variation ID: 1980773). This variant has not been reported in the literature in individuals affected with MYH7-related conditions. This variant is not present in population databases (gnomAD no frequency). This sequence change replaces alanine, which is neutral and non-polar, with valine, which is neutral and non-polar, at codon 1092 of the MYH7 protein (p.Ala1092Val).

NM_000257.4(MYH7):c.3275C>T (p.Ala1092Val)

Gene: MYH7 (myosin heavy chain 7; minus strand). Cytogenetic location: 14q11.2.
Variant type: single nucleotide variant.
Coding change: c.3275C>T on transcript NM_000257.4 (MANE Select); coding-DNA position 3275, C replaced by T.
Protein change: p.Ala1092Val; replaces alanine 1092 with valine.
Molecular consequence: missense variant.
Genome position (GRCh38, 1-based): chr14:23,421,019, G>A on the plus strand (C>T on the coding strand, the complement: MYH7 is on the minus strand). VCF-style: chr14-23421019-G-A. GRCh37 (hg19) VCF-style: chr14-23890228-G-A.
Other names: c.3275C>T, p.Ala1092Val (NM_001407004.1); short protein forms A1092V.
Identifiers: ClinVar variation 1980773 (VCV001980773.4), dbSNP rs2502268136, ClinGen allele CA389044494.
Genomic context (GRCh38, chr14:23,421,019, plus strand): 5'-TGAAGCTCCTTGAGCTTCTTCTGCAGCTGGCTGCCGAGGGCCTGTTCATCCTCAATCCTT[G>A]CGTTGAGAGCATTCAGCTCAAAGTCTTTTCTGTGGGGAAGGAGGGATGGTGAGGTAAGGG-3'
Protein context (NP_000248.2, residues 1082-1102): KKDFELNALN[Ala1092Val]RIEDEQALGS